The following is an entry in ClinVar:

ClinVar aggregate classification (germline): Pathogenic. Review status: criteria provided, multiple submitters, no conflicts (2 of 4 stars). 6 submissions from 5 submitters: Pathogenic (4). 2 of the submissions do not count toward it. Last evaluated 2026-05-26.

Conditions:
FGFR2-related disorder. Identifiers: MedGen CN380096.
Crouzon syndrome. Also called: CRANIOFACIAL DYSOSTOSIS, TYPE I; Craniofacial dysostosis; Craniofacial dysostosis type 1; Crouzon craniofacial dysostosis; Crouzon disease. Identifiers: Orphanet 207, MedGen C0010273, MeSH D003394, MONDO:0007405, OMIM 123500, HP:0004439.

gnomAD v4.1: 1 of 1,614,134 alleles (0.000062%); highest among the groups gnomAD compares: East Asian, 0.0022%; no homozygotes.

Submissions (6):

GeneDx
Classification: Pathogenic. Last evaluated: 2026-05-26. Review status: criteria provided, single submitter. Criteria: GeneDx Variant Classification Process June 2021. Collection method: clinical testing. Allele origin: germline.
Comment: In silico analysis supports that this missense variant has a deleterious effect on protein structure/function; Not observed at significant frequency in large population cohorts (gnomAD); This variant is associated with the following publications: (PMID: 23754559, 16418739, 15565658, 28815901, 8528214, 12000365, 11711827, 24656465, 12400057, 35591945, 27228464, 11781872, 29230096)

3billion
Classification: Pathogenic for FGFR2-related disorder. Last evaluated: 2026-01-06. Review status: criteria provided, single submitter. Criteria: ACMG Guidelines, 2015. Collection method: clinical testing. Allele origin: germline. Affected: yes.
Comment: The variant is observed at an extremely low frequency in the gnomAD v4.1.0 dataset (total allele frequency: <0.001%). Predicted Consequence/Location: The variant is located in a mutational hot spot and/or well-established functional domain in which established pathogenic variants have been reported. Missense changes are a common disease-causing mechanism. In silico tool predictions suggest damaging effect of the variant on gene or gene product [REVEL: 0.95 (>=0.6, sensitivity 0.68 and specificity 0.92); 3Cnet: 0.99 (> 0.75, sensitivity 0.96 and precision 0.92)]. The same nucleotide change resulting in the same amino acid change has been previously reported as pathogenic/likely pathogenic with strong evidence (ClinVar ID: VCV000013284 /PMID: 8528214 /3billion dataset). Different missense changes at the same codon (p.Trp290Arg, p.Trp290Cys, p.Trp290Leu, p.Trp290Ser) have been reported as pathogenic/likely pathogenic with strong evidence (ClinVar ID: VCV000013281, VCV000013283, VCV000013293, VCV000374812, VCV001358710, VCV001995111 /PMID: 24127277, 29095814, 7655462, 9150725, 9300656 /3billion dataset). Therefore, this variant is classified as Pathogenic according to the recommendation of ACMG/AMP guideline.

3billion
Classification: Pathogenic for Crouzon syndrome. Last evaluated: 2025-06-24. Review status: criteria provided, single submitter. Criteria: ACMG Guidelines, 2015. Collection method: clinical testing. Allele origin: germline. Affected: yes.
Comment: The variant is observed at an extremely low frequency in the gnomAD v4.1.0 dataset (total allele frequency: <0.001%). Predicted Consequence/Location: The variant is located in a mutational hot spot and/or well-established functional domain in which established pathogenic variants have been reported. Missense variant. Missense changes are a common disease-causing mechanism. In silico tool predictions suggest damaging effect of the variant on gene or gene product [REVEL: 0.95 (>=0.6, sensitivity 0.68 and specificity 0.92); 3Cnet: 0.99 (> 0.75, sensitivity 0.96 and precision 0.92)]. The same nucleotide change resulting in the same amino acid change has been previously reported as pathogenic/likely pathogenic with strong evidence (ClinVar ID: VCV000013284 /PMID: 8528214). Different missense changes at the same codon (p.Trp290Arg, p.Trp290Cys, p.Trp290Leu, p.Trp290Ser) have been reported as pathogenic/likely pathogenic with strong evidence (ClinVar ID: VCV000013281, VCV000013283, VCV000013293, VCV000374812, VCV001358710, VCV001995111 /PMID: 24127277, 29095814, 7655462, 9150725, 9300656 /3billion dataset). Therefore, this variant is classified as Pathogenic (PS1_S, PM1_M, PM2_M, PM5_M, PP2_P, PP3_P) according to the recommendation of ACMG/AMP guideline.

Genomic Diagnostic Laboratory, Division of Genomic Diagnostics, Children's Hospital of Philadelphia
Classification: Pathogenic for Crouzon syndrome. Last evaluated: 2016-09-17. Review status: criteria provided, single submitter. Criteria: DGD Variant Analysis Guidelines. Collection method: clinical testing. Allele origin: germline. Affected: yes. Observed: 3 variant alleles.
Comment: Clinical Testing

PreventionGenetics, part of Exact Sciences
Classification: Pathogenic for FGFR2-related condition. Last evaluated: 2024-09-18. Review status: no assertion criteria provided. Collection method: clinical testing. Allele origin: germline. Not counted in ClinVar's aggregate classification.
Comment: The FGFR2 c.868T>G variant is predicted to result in the amino acid substitution p.Trp290Gly. This variant has been reported in individuals with Crouzon or Pfeiffer sydrome (Park et al. 1995. PubMed ID: 8528214; Wenger et al. 2017. PubMed ID: 27228464; Machado et al. 2017. PubMed ID: 28815901; Bukowska-Olech et al. 2022. PubMed ID: 35591945; Lajeunie et al. 2006. PubMed ID: 16418739). Alternate missense substitutions at the same amino acid position (p.Trp290Cys, p.Trp290Arg, p.Trp290Ser, and p.Trp290Leu) have also been reported in individuals affected with craniosynostosis, Pfeiffer or Crouzon syndrome (Wenger et al. 2017. PubMed ID: 27228464; Nazzaro et al. 2004. PubMed ID: 15565658, Oldridge et al. 1995. PubMed ID: 7655462; Human Gene Mutation Database). The c.868T>G (p.Trp290Gly) variant has not been reported in a large population database, indicating this variant is rare. This variant is interpreted as pathogenic.

OMIM
Classification: Pathogenic for CROUZON SYNDROME. Last evaluated: 1995-07-01. Review status: no assertion criteria provided. Collection method: literature only. Allele origin: germline. Not counted in ClinVar's aggregate classification.

Literature cited by the submitters: PubMed 8528214 (cited by 3billion and OMIM); PubMed 24127277 (cited by 3billion).

NM_000141.5(FGFR2):c.868T>G (p.Trp290Gly)

Gene: FGFR2 (fibroblast growth factor receptor 2; minus strand). Cytogenetic location: 10q26.13.
Variant type: single nucleotide variant.
Coding change: c.868T>G on transcript NM_000141.5 (MANE Select); coding-DNA position 868, T replaced by G.
Protein change: p.Trp290Gly; replaces tryptophan 290 with glycine.
Molecular consequence: missense variant. On other transcripts: non-coding transcript variant (1), intron variant (1).
Genome position (GRCh38, 1-based): chr10:121,520,050, A>C on the plus strand (T>G on the coding strand, the complement: FGFR2 is on the minus strand). VCF-style: chr10-121520050-A-C. GRCh37 (hg19) VCF-style: chr10-123279564-A-C.
Other names: c.868T>G, p.Trp290Gly (NM_001144913.1, NM_001144917.2, NM_001320658.2 and 1 more transcripts); c.601T>G, p.Trp201Gly (NM_001144915.2, NM_001144919.2, NM_023029.3); c.523T>G, p.Trp175Gly (NM_001144916.2, NM_001144918.2); c.184T>G, p.Trp62Gly (NM_001320654.2); c.749-4731T>G (NM_001144914.1); short protein forms W290G, W201G, W175G, W62G.
Identifiers: ClinVar variation 13284 (VCV000013284.7), dbSNP rs121918501, ClinGen allele CA280187.